The following is an entry in ClinVar:

NM_001270508.2(TNFAIP3):c.1656C>A (p.Ser552Arg)

Gene: TNFAIP3 (TNF alpha induced protein 3; plus strand). Cytogenetic location: 6q23.3.
Variant type: single nucleotide variant.
Coding change: c.1656C>A on transcript NM_001270508.2 (MANE Select); coding-DNA position 1656, C replaced by A.
Protein change: p.Ser552Arg; replaces serine 552 with arginine.
Molecular consequence: missense variant.
Genome position (GRCh38, 1-based): chr6:137,879,101, C>A. VCF-style: chr6-137879101-C-A. GRCh37 (hg19) VCF-style: chr6-138200238-C-A.
Other names: c.1656C>A (NM_006290.2, NM_006290.3); c.1656C>A, p.Ser552Arg (NM_001270507.2, NM_006290.4); short protein forms S552R.
Identifiers: ClinVar variation 1412830 (VCV001412830.8), dbSNP rs1169217800, ClinGen allele CA365793202.
Genomic context (GRCh38, chr6:137,879,101, plus strand): 5'-TAATGGGATCTGCAGTACTTGCTTCAAAAGGACTACAGCAGAGGCCTCCTCCAGCCTCAG[C>A]ACCAGCCTCCCTCCTTCCTGTCACCAGCGTTCCAAGTCAGATCCCTCGCGGCTCGTCCGG-3'
Protein context (NP_001257437.1, residues 542-562): RTTAEASSSL[Ser552Arg]TSLPPSCHQR

ClinVar aggregate classification (germline): Uncertain significance. Review status: criteria provided, multiple submitters, no conflicts (2 of 4 stars). 3 submissions from 3 submitters: Uncertain significance (3). Last evaluated 2025-02-03.

Conditions:
TNFAIP3-related disorder. Also called: TNFAIP3-related condition.
Inborn genetic diseases. Identifiers: MedGen C0950123, MeSH D030342.

Allele frequency attached by ClinVar (database versions not stated): gnomAD exomes below 0.00001 and 0.00001; TOPMed 0.00001.
gnomAD v4.1: 5 of 1,614,204 alleles (0.00031%); highest among the groups gnomAD compares: Non-Finnish European, 0.00042%; no homozygotes.

Submissions (3):

PreventionGenetics, part of Exact Sciences
Classification: Uncertain significance for TNFAIP3-related condition. Last evaluated: 2025-02-03. Review status: criteria provided, single submitter. Criteria: ACMG Guidelines, 2015. Collection method: clinical testing. Allele origin: germline.
Comment: The TNFAIP3 c.1656C>A variant is predicted to result in the amino acid substitution p.Ser552Arg. To our knowledge, this variant has not been reported in the literature. This variant is reported in 0.0018% of alleles in individuals of European (Non-Finnish) descent in gnomAD. At this time, the clinical significance of this variant is uncertain due to the absence of conclusive functional and genetic evidence.

Ambry Genetics
Classification: Uncertain significance for Inborn genetic diseases. Last evaluated: 2024-12-22. Review status: criteria provided, single submitter. Criteria: Ambry Variant Classification Scheme 2023. Collection method: clinical testing. Allele origin: germline.

Labcorp Genetics (formerly Invitae), Labcorp
Classification: Uncertain significance. Last evaluated: 2024-02-22. Review status: criteria provided, single submitter. Criteria: Invitae Variant Classification Sherloc (09022015). Collection method: clinical testing. Allele origin: germline.
Comment: This sequence change replaces serine, which is neutral and polar, with arginine, which is basic and polar, at codon 552 of the TNFAIP3 protein (p.Ser552Arg). This variant is present in population databases (no rsID available, gnomAD 0.0009%). This variant has not been reported in the literature in individuals affected with TNFAIP3-related conditions. ClinVar contains an entry for this variant (Variation ID: 1412830). An algorithm developed to predict the effect of missense changes on protein structure and function (PolyPhen-2) suggests that this variant is likely to be tolerated. In summary, the available evidence is currently insufficient to determine the role of this variant in disease. Therefore, it has been classified as a Variant of Uncertain Significance.